The following is an entry in ClinVar:

ClinVar aggregate classification (germline): Likely benign (1 of 4 stars; one submission).

Submission:

GeneDx
Classification: Likely benign. Last evaluated: 2017-02-23. Review status: criteria provided, single submitter. Criteria: GeneDx Variant Classification (06012015). Collection method: clinical testing. Allele origin: germline. Affected: yes.
Comment: This variant is considered likely benign or benign based on one or more of the following criteria: it is a conservative change, it occurs at a poorly conserved position in the protein, it is predicted to be benign by multiple in silico algorithms, and/or has population frequency not consistent with disease.

NM_001165963.4(SCN1A):c.5026C>T (p.Leu1676=)

Genes: SCN1A (sodium voltage-gated channel alpha subunit 1; minus strand), LOC102724058 (uncharacterized LOC102724058; plus strand). Cytogenetic location: 2q24.3.
Variant type: single nucleotide variant.
Coding change: c.5026C>T on transcript NM_001165963.4 (MANE Select); coding-DNA position 5026, C replaced by T.
Protein change: p.Leu1676=; no amino-acid change (leucine 1676 retained).
Molecular consequence: synonymous variant. On other transcripts: non-coding transcript variant (1).
Genome position (GRCh38, 1-based): chr2:165,992,249, G>A on the plus strand (C>T on the coding strand, the complement: SCN1A is on the minus strand). VCF-style: chr2-165992249-G-A. GRCh37 (hg19) VCF-style: chr2-166848759-G-A.
Other names: c.4942C>T, p.Leu1648= (NM_001165964.3, NM_001353957.2, NM_001353958.2); c.5026C>T, p.Leu1676= (NM_001202435.3, NM_001353948.2); c.4993C>T, p.Leu1665= (NM_001353949.2, NM_001353950.2, NM_001353951.2 and 2 more transcripts); c.4990C>T, p.Leu1664= (NM_001353954.2, NM_001353955.2); c.4939C>T, p.Leu1647= (NM_001353960.2); c.2584C>T, p.Leu862= (NM_001353961.2).
Identifiers: ClinVar variation 516619 (VCV000516619.1), dbSNP rs1553520391, ClinGen allele CA429975874.
Genomic context (GRCh38, chr2:165,992,249, plus strand): 5'-TAACATAGGCAAAGTTGGACATCCCAAAGATGGCGTAGATGAACATGACTAGGAAGAGTA[G>A]GAGGCCGATGTTAAACAACGCAGGAAGGGACATCATCAAAGCAAAGAGCAGCGTGCGGAT-3'
Protein context (NP_001159435.1, residues 1666-1686): SLPALFNIGL[Leu1676=]LFLVMFIYAI